The following is an entry in ClinVar:

ClinVar aggregate classification (germline): Uncertain significance (1 of 4 stars; one submission).

Conditions:
Bardet-Biedl syndrome (BBS). Identifiers: Orphanet 110, MedGen C0752166, MONDO:0015229.

Allele frequency attached by ClinVar (database versions not stated): gnomAD exomes below 0.00001; TOPMed 0.00001.

Submission:

Labcorp Genetics (formerly Invitae), Labcorp
Classification: Uncertain significance for Bardet-Biedl syndrome. Last evaluated: 2022-06-10. Review status: criteria provided, single submitter. Criteria: Invitae Variant Classification Sherloc (09022015). Collection method: clinical testing. Allele origin: germline.
Comment: This sequence change replaces histidine, which is basic and polar, with arginine, which is basic and polar, at codon 217 of the BBS10 protein (p.His217Arg). This variant is not present in population databases (gnomAD no frequency). This missense change has been observed in individual(s) with clinical features of Bardet-Biedl syndrome (Invitae). In at least one individual the data is consistent with being in trans (on the opposite chromosome) from a pathogenic variant. Algorithms developed to predict the effect of missense changes on protein structure and function (SIFT, PolyPhen-2, Align-GVGD) all suggest that this variant is likely to be tolerated. In summary, the available evidence is currently insufficient to determine the role of this variant in disease. Therefore, it has been classified as a Variant of Uncertain Significance.

NM_024685.4(BBS10):c.650A>G (p.His217Arg)

Gene: BBS10 (Bardet-Biedl syndrome 10; minus strand). Cytogenetic location: 12q21.2.
Variant type: single nucleotide variant.
Coding change: c.650A>G on transcript NM_024685.4 (MANE Select); coding-DNA position 650, A replaced by G.
Protein change: p.His217Arg; replaces histidine 217 with arginine.
Molecular consequence: missense variant.
Genome position (GRCh38, 1-based): chr12:76,347,335, T>C on the plus strand (A>G on the coding strand, the complement: BBS10 is on the minus strand). VCF-style: chr12-76347335-T-C. GRCh37 (hg19) VCF-style: chr12-76741115-T-C.
Other names: short protein forms H217R.
Identifiers: ClinVar variation 2175706 (VCV002175706.1), dbSNP rs1951767176, ClinGen allele CA385814709.
Genomic context (GRCh38, chr12:76,347,335, plus strand): 5'-GCTATGATCCTGGAATCTGAAACAGGAAGGCCAGTGACACCAACATTCAACTCTACAAAA[T>C]GGTCATCCACTAACTCAAATACACCAATCCCACTTTTACAAGTCATACACTTGAAAAAGT-3'
Protein context (NP_078961.3, residues 207-227): GIGVFELVDD[His217Arg]FVELNVGVTG